The following is an entry in ClinVar:

NM_178554.6(KY):c.1525C>T (p.Arg509Trp)

Genes: CEP63 (centrosomal protein 63; plus strand), KY (kyphoscoliosis peptidase; minus strand). Cytogenetic location: 3q22.2.
Variant type: single nucleotide variant.
Coding change: c.1525C>T on transcript NM_178554.6 (MANE Select); coding-DNA position 1525, C replaced by T.
Protein change: p.Arg509Trp; replaces arginine 509 with tryptophan.
Molecular consequence: missense variant.
Genome position (GRCh38, 1-based): chr3:134,604,040, G>A on the plus strand (C>T on the coding strand, the complement: KY is on the minus strand). VCF-style: chr3-134604040-G-A. GRCh37 (hg19) VCF-style: chr3-134322882-G-A.
Other names: c.1477C>T, p.Arg493Trp (NM_001350859.2); c.1462C>T, p.Arg488Trp (NM_001366276.1); short protein forms R488W, R493W, R509W.
Identifiers: ClinVar variation 1723822 (VCV001723822.3), dbSNP rs201058595, ClinGen allele CA2628980.

ClinVar aggregate classification (germline): Uncertain significance (1 of 4 stars; one submission).

Allele frequency attached by ClinVar (database versions not stated): ExAC 0.00023; gnomAD 0.00053; TOPMed 0.00068; ESP Exome Variant Server 0.00071; 1000 Genomes Project 30x 0.00094; 1000 Genomes Project 0.00100.
gnomAD v4.1: 200 of 1,613,952 alleles (0.012%); highest among the groups gnomAD compares: African/African-American, 0.19%; 1 homozygote.

Submission:

GeneDx
Classification: Uncertain significance. Last evaluated: 2024-11-25. Review status: criteria provided, single submitter. Criteria: GeneDx Variant Classification Process June 2021. Collection method: clinical testing. Allele origin: germline. Affected: yes.
Comment: In silico analysis indicates that this missense variant does not alter protein structure/function; Has not been previously published as pathogenic or benign to our knowledge